The following is an entry in ClinVar:

ClinVar aggregate classification (germline): Uncertain significance. Review status: criteria provided, multiple submitters, no conflicts (2 of 4 stars). 3 submissions from 3 submitters: Uncertain significance (3). Last evaluated 2024-06-18.

Conditions:
Cerebrooculofacioskeletal syndrome 3 (COFS3). Identifiers: MedGen C1851443, MONDO:0014696, OMIM 616570.

Allele frequency attached by ClinVar (database versions not stated): gnomAD exomes 0.00006 and 0.00017; ExAC 0.00009; TOPMed 0.00011; 1000 Genomes Project 30x 0.00016.

Submissions (3):

Ambry Genetics
Classification: Uncertain significance. Last evaluated: 2024-06-18. Review status: criteria provided, single submitter. Criteria: Ambry Variant Classification Scheme 2023. Collection method: clinical testing. Allele origin: germline.

Labcorp Genetics (formerly Invitae), Labcorp
Classification: Uncertain significance. Last evaluated: 2022-07-15. Review status: criteria provided, single submitter. Criteria: Invitae Variant Classification Sherloc (09022015). Collection method: clinical testing. Allele origin: germline.
Comment: This sequence change replaces glutamic acid, which is acidic and polar, with lysine, which is basic and polar, at codon 399 of the ERCC5 protein (p.Glu399Lys). This variant is present in population databases (rs4150315, gnomAD 0.1%). This variant has not been reported in the literature in individuals affected with ERCC5-related conditions. ClinVar contains an entry for this variant (Variation ID: 1327099). Algorithms developed to predict the effect of missense changes on protein structure and function (SIFT, PolyPhen-2, Align-GVGD) all suggest that this variant is likely to be tolerated. In summary, the available evidence is currently insufficient to determine the role of this variant in disease. Therefore, it has been classified as a Variant of Uncertain Significance.

Baylor Genetics
Classification: Uncertain significance for Cerebrooculofacioskeletal syndrome 3. Last evaluated: 2021-03-03. Review status: criteria provided, single submitter. Criteria: ACMG Guidelines, 2015. Collection method: clinical testing. Allele origin: unknown. Affected: yes. Study: CSER-TexasKidsCanSeq.
Comment: This variant was determined to be of uncertain significance according to ACMG Guidelines, 2015 [PMID:25741868].

NM_000123.4(ERCC5):c.1195G>A (p.Glu399Lys)

Genes: BIVM-ERCC5 (BIVM-ERCC5 readthrough; plus strand), ERCC5 (ERCC excision repair 5, endonuclease; plus strand). Cytogenetic location: 13q33.1.
Variant type: single nucleotide variant.
Coding change: c.1195G>A on transcript NM_000123.4 (MANE Select); coding-DNA position 1195, G replaced by A.
Protein change: p.Glu399Lys; replaces glutamic acid 399 with lysine.
Molecular consequence: missense variant.
Genome position (GRCh38, 1-based): chr13:102,862,344, G>A. VCF-style: chr13-102862344-G-A. GRCh37 (hg19) VCF-style: chr13-103514694-G-A.
Other names: c.2557G>A, p.Glu853Lys (NM_001204425.2); short protein forms E399K, E853K.
Identifiers: ClinVar variation 1327099 (VCV001327099.4), dbSNP rs4150315, ClinGen allele CA7041369.
Genomic context (GRCh38, chr13:102,862,344, plus strand): 5'-GACGAAGGCTCCATATCACCCCGGACTCTTTCAGCCATTAAGAGAGCTCTTGACGATGAC[G>A]AAGATGTAAAAGTGTGTGCTGGGGATGATGTGCAGACGGGAGGGCCAGGAGCAGAAGAAA-3'
Protein context (NP_000114.3, residues 389-409): SAIKRALDDD[Glu399Lys]DVKVCAGDDV